The following is an entry in ClinVar:

ClinVar aggregate classification (germline): Uncertain significance (1 of 4 stars; one submission).

Conditions:
Severe combined immunodeficiency due to IKK2 deficiency. Also called: IMMUNODEFICIENCY 15B; Immunodeficiency 15. Identifiers: Orphanet 397787, MedGen C4747743, MONDO:0014267, OMIM 615592.

Submission:

Labcorp Genetics (formerly Invitae), Labcorp
Classification: Uncertain significance for Severe combined immunodeficiency due to IKK2 deficiency. Last evaluated: 2023-05-18. Review status: criteria provided, single submitter. Criteria: Invitae Variant Classification Sherloc (09022015). Collection method: clinical testing. Allele origin: germline.
Comment: This variant is not present in population databases (gnomAD no frequency). In summary, the available evidence is currently insufficient to determine the role of this variant in disease. Therefore, it has been classified as a Variant of Uncertain Significance. Advanced modeling of protein sequence and biophysical properties (such as structural, functional, and spatial information, amino acid conservation, physicochemical variation, residue mobility, and thermodynamic stability) performed at Invitae indicates that this missense variant is not expected to disrupt IKBKB protein function. This variant has not been reported in the literature in individuals affected with IKBKB-related conditions. This sequence change replaces glutamic acid, which is acidic and polar, with lysine, which is basic and polar, at codon 172 of the IKBKB protein (p.Glu172Lys).

NM_001556.3(IKBKB):c.514G>A (p.Glu172Lys)

Gene: IKBKB (inhibitor of nuclear factor kappa B kinase subunit beta; plus strand). Cytogenetic location: 8p11.21.
Variant type: single nucleotide variant.
Coding change: c.514G>A on transcript NM_001556.3 (MANE Select); coding-DNA position 514, G replaced by A.
Protein change: p.Glu172Lys; replaces glutamic acid 172 with lysine.
Molecular consequence: missense variant. On other transcripts: non-coding transcript variant (3).
Genome position (GRCh38, 1-based): chr8:42,306,379, G>A. VCF-style: chr8-42306379-G-A. GRCh37 (hg19) VCF-style: chr8-42163897-G-A.
Other names: c.322G>A, p.Glu108Lys (NM_001190720.3); c.337G>A, p.Glu113Lys (NM_001242778.2); short protein forms E108K, E113K, E172K.
Identifiers: ClinVar variation 2862333 (VCV002862333.3), dbSNP rs2487520374, ClinGen allele CA371094704.
Genomic context (GRCh38, chr8:42,306,379, plus strand): 5'-GCTTTCTCCTTCCTTTTGTTTTAGTTAATACACAAAATTATTGACCTAGGATATGCCAAG[G>A]AGCTGGATCAGGGCAGTCTTTGCACATCATTCGTGGGGACCCTGCAGTACCTGGTAAGAA-3'
Protein context (NP_001547.1, residues 162-182): HKIIDLGYAK[Glu172Lys]LDQGSLCTSF